The following is an entry in ClinVar:

ClinVar aggregate classification (germline): Uncertain significance (1 of 4 stars; one submission).

Allele frequency attached by ClinVar (database versions not stated): gnomAD exomes 0.00001; ExAC 0.00002.

Submission:

Mayo Clinic Laboratories, Mayo Clinic
Classification: Uncertain significance. Last evaluated: 2023-02-09. Review status: criteria provided, single submitter. Criteria: ACMG Guidelines, 2015. Collection method: clinical testing. Allele origin: germline. Observed: 1 variant allele.
Comment: BP4_strong

NM_177433.3(MAGED2):c.343G>C (p.Ala115Pro)

Gene: MAGED2 (MAGE family member D2; plus strand). Cytogenetic location: Xp11.21.
Variant type: single nucleotide variant.
Coding change: c.343G>C on transcript NM_177433.3 (MANE Select); coding-DNA position 343, G replaced by C.
Protein change: p.Ala115Pro; replaces alanine 115 with proline.
Molecular consequence: missense variant.
Genome position (GRCh38, 1-based): chrX:54,810,019, G>C. VCF-style: chrX-54810019-G-C. GRCh37 (hg19) VCF-style: chrX-54836452-G-C.
Other names: p.Ala115Pro; c.343G>C, p.Ala115Pro (NM_014599.6, NM_201222.3); short protein forms A115P.
Identifiers: ClinVar variation 2683589 (VCV002683589.1), dbSNP rs759692914, ClinGen allele CA10426667.
Genomic context (GRCh38, chrX:54,810,019, plus strand): 5'-CTGGCAGCTGAAAACAAGAGTCTAGCAGCTGACACCAAGAAACAGAATGCTGACCCGCAG[G>C]CTGTGACAATGCCTGCCACTGAGACCAAAAAGGTCAGCCATGTGGCTGATACAAAGGTCA-3'
Protein context (NP_803182.1, residues 105-125): DTKKQNADPQ[Ala115Pro]VTMPATETKK